The following is an entry in ClinVar:

NM_015021.3(ZNF292):c.7684C>T (p.Arg2562Cys)

Gene: ZNF292 (zinc finger protein 292; plus strand). Cytogenetic location: 6q14.3.
Variant type: single nucleotide variant.
Coding change: c.7684C>T on transcript NM_015021.3 (MANE Select); coding-DNA position 7684, C replaced by T.
Protein change: p.Arg2562Cys; replaces arginine 2562 with cysteine.
Molecular consequence: missense variant.
Genome position (GRCh38, 1-based): chr6:87,261,313, C>T. VCF-style: chr6-87261313-C-T. GRCh37 (hg19) VCF-style: chr6-87971031-C-T.
Other names: c.7264C>T, p.Arg2422Cys (NM_001351444.2); short protein forms R2422C, R2562C.
Identifiers: ClinVar variation 2636877 (VCV002636877.1), dbSNP rs749404949, ClinGen allele CA3914844.

ClinVar aggregate classification (germline): Uncertain significance (1 of 4 stars; one submission).

Conditions:
ZNF292-related disorder. Also called: ZNF292-related condition.

Allele frequency attached by ClinVar (database versions not stated): gnomAD exomes 0.00001; gnomAD 0.00002; TOPMed 0.00002.
gnomAD v4.1: 22 of 1,613,218 alleles (0.0014%); highest among the groups gnomAD compares: African/African-American, 0.004%; no homozygotes.

Submission:

PreventionGenetics, part of Exact Sciences
Classification: Uncertain significance for ZNF292-related condition. Last evaluated: 2023-08-25. Review status: criteria provided, single submitter. Criteria: ACMG Guidelines, 2015. Collection method: clinical testing. Allele origin: germline.
Comment: The ZNF292 c.7684C>T variant is predicted to result in the amino acid substitution p.Arg2562Cys. To our knowledge, this variant has not been reported in the literature. This variant is reported in 0.0018% of alleles in individuals of European (Non-Finnish) descent in gnomAD. At this time, the clinical significance of this variant is uncertain due to the absence of conclusive functional and genetic evidence.